The following is an entry in ClinVar:

NM_006073.4(TRDN):c.85G>A (p.Gly29Arg)

Gene: TRDN (triadin; minus strand). Cytogenetic location: 6q22.31.
Variant type: single nucleotide variant.
Coding change: c.85G>A on transcript NM_006073.4 (MANE Select); coding-DNA position 85, G replaced by A.
Protein change: p.Gly29Arg; replaces glycine 29 with arginine.
Molecular consequence: missense variant.
Genome position (GRCh38, 1-based): chr6:123,571,070, C>T on the plus strand (G>A on the coding strand, the complement: TRDN is on the minus strand). VCF-style: chr6-123571070-C-T. GRCh37 (hg19) VCF-style: chr6-123892215-C-T.
Other names: c.85G>A, p.Gly29Arg (NM_001251987.2, NM_001256020.2, NM_001256021.2 and 1 more transcripts); short protein forms G29R.
Identifiers: ClinVar variation 355228 (VCV000355228.29), dbSNP rs763469367, ClinGen allele CA3984478.

ClinVar aggregate classification (germline): Conflicting classifications of pathogenicity. Review status: criteria provided, conflicting classifications (1 of 4 stars). 6 submissions from 6 submitters: Uncertain significance (5); Likely benign (1). Last evaluated 2025-07-01.

Conditions:
Cardiovascular phenotype. Identifiers: MedGen CN230736.
Catecholaminergic polymorphic ventricular tachycardia 1. Also called: VENTRICULAR TACHYCARDIA, STRESS-INDUCED POLYMORPHIC 1; VENTRICULAR TACHYCARDIA, CATECHOLAMINERGIC POLYMORPHIC, 1, WITH OR WITHOUT ATRIAL DYSFUNCTION AND/OR DILATED CARDIOMYOPATHY; RYR2-Related Catecholaminergic Polymorphic Ventricular Tachycardia. Identifiers: Orphanet 3286, MedGen C1631597, MONDO:0011484, OMIM 604772.
Catecholaminergic polymorphic ventricular tachycardia 5 (CARDAR). Also called: CARDIAC ARRHYTHMIA SYNDROME, WITH OR WITHOUT SKELETAL MUSCLE WEAKNESS; Ventricular tachycardia, catecholaminergic polymorphic, 5, with or without muscle weakness. Identifiers: Orphanet 3286, MedGen C3809536, MONDO:0014191, OMIM 615441.

Allele frequency attached by ClinVar (database versions not stated): TOPMed 0.00013; gnomAD 0.00016.
gnomAD v4.1: 326 of 1,613,798 alleles (0.02%); highest among the groups gnomAD compares: East Asian, 0.036%; no homozygotes.

Submissions (6):

CeGaT Center for Human Genetics Tuebingen
Classification: Likely benign. Last evaluated: 2025-07-01. Review status: criteria provided, single submitter. Criteria: CeGaT Center For Human Genetics Tuebingen Variant Classification Criteria Version 2. Collection method: clinical testing. Allele origin: germline. Affected: yes. Observed: 1 variant allele.
Comment: TRDN: BP4

Ambry Genetics
Classification: Uncertain significance for Cardiovascular phenotype. Last evaluated: 2024-05-08. Review status: criteria provided, single submitter. Criteria: Ambry Variant Classification Scheme 2023. Collection method: clinical testing. Allele origin: germline.

GeneDx
Classification: Uncertain significance. Last evaluated: 2023-03-30. Review status: criteria provided, single submitter. Criteria: GeneDx Variant Classification Process June 2021. Collection method: clinical testing. Allele origin: germline. Affected: yes.
Comment: Has not been previously published as pathogenic or benign to our knowledge; In silico analysis supports that this missense variant does not alter protein structure/function

Labcorp Genetics (formerly Invitae), Labcorp
Classification: Uncertain significance for Catecholaminergic polymorphic ventricular tachycardia 1. Last evaluated: 2022-08-13. Review status: criteria provided, single submitter. Criteria: Invitae Variant Classification Sherloc (09022015). Collection method: clinical testing. Allele origin: germline.
Comment: This sequence change replaces glycine, which is neutral and non-polar, with arginine, which is basic and polar, at codon 29 of the TRDN protein (p.Gly29Arg). This variant is present in population databases (rs763469367, gnomAD 0.05%). This variant has not been reported in the literature in individuals affected with TRDN-related conditions. ClinVar contains an entry for this variant (Variation ID: 355228). Algorithms developed to predict the effect of missense changes on protein structure and function are either unavailable or do not agree on the potential impact of this missense change (SIFT: "Deleterious"; PolyPhen-2: "Not Available"; Align-GVGD: "Class C0"). Algorithms developed to predict the effect of sequence changes on RNA splicing suggest that this variant may create or strengthen a splice site. In summary, the available evidence is currently insufficient to determine the role of this variant in disease. Therefore, it has been classified as a Variant of Uncertain Significance.

Fulgent Genetics
Classification: Uncertain significance for Catecholaminergic polymorphic ventricular tachycardia 1; Catecholaminergic polymorphic ventricular tachycardia 5. Last evaluated: 2021-11-01. Review status: criteria provided, single submitter. Criteria: ACMG Guidelines, 2015. Collection method: clinical testing. Allele origin: unknown.

Victorian Clinical Genetics Services, Murdoch Childrens Research Institute
Classification: Uncertain significance for Catecholaminergic polymorphic ventricular tachycardia 5. Last evaluated: 2021-05-06. Review status: criteria provided, single submitter. Criteria: ACMG Guidelines, 2015. Collection method: clinical testing. Allele origin: germline. Inheritance: Autosomal recessive inheritance. Affected: yes.
Comment: Based on the classification scheme VCGS_Germline_v1.3.4, this variant is classified as VUS-3B. Following criteria are met: 0102 - Loss of function is a known mechanism of disease in this gene and is associated with ventricular tachycardia, catecholaminergic polymorphic, 5, with or without muscle weakness (MIM#615441). (I) 0106 - This gene is associated with autosomal recessive disease. (I) 0200 - Variant is predicted to result in a missense amino acid change from glycine to arginine. (I) 0251 - This variant is heterozygous. (I) 0304 - Variant is present in gnomAD (v2) <0.01 for a recessive condition (37 heterozygotes, 0 homozygotes). Additionally, an alternative nucleotide change, resulting in the same amino acid change, is present in the gnomAD population database (v2) at <0.01 (2 heterozygotes, 0 homozygotes). (SP) 0502 - Missense variant with conflicting in silico predictions and uninformative conservation. (I) 0604 - Variant is not located in an established domain, motif, hotspot or informative constraint region. (I) 0705 - No comparable missense variants have previous evidence for pathogenicity. (I) 0809 - Previous evidence of pathogenicity for this variant is inconclusive. The variant has previously been reported once as a VUS (ClinVar). (I) 0905 - No published segregation evidence has been identified for this variant. (I) 1007 - No published functional evidence has been identified for this variant. (I) 1208 - Inheritance information for this variant is not currently available in this individual. (I) Legend: (SP) - Supporting pathogenic, (I) - Information, (SB) - Supporting benign